The following is an entry in ClinVar:

ClinVar aggregate classification (germline): Pathogenic (1 of 4 stars; one submission).

gnomAD v4.1: 3 of 1,613,562 alleles (0.00019%); highest among the groups gnomAD compares: Non-Finnish European, 0.00025%; no homozygotes.

Submission:

Labcorp Genetics (formerly Invitae), Labcorp
Classification: Pathogenic. Last evaluated: 2023-06-04. Review status: criteria provided, single submitter. Criteria: Invitae Variant Classification Sherloc (09022015). Collection method: clinical testing. Allele origin: germline.
Comment: For these reasons, this variant has been classified as Pathogenic. This variant has not been reported in the literature in individuals affected with PCNT-related conditions. This variant is not present in population databases (gnomAD no frequency). This sequence change creates a premature translational stop signal (p.Gln2971*) in the PCNT gene. It is expected to result in an absent or disrupted protein product. Loss-of-function variants in PCNT are known to be pathogenic (PMID: 18174396, 22821869).

Literature cited by the submitters: PubMed 18174396; PubMed 22821869.

NM_006031.6(PCNT):c.8911C>T (p.Gln2971Ter)

Gene: PCNT (pericentrin; plus strand). Cytogenetic location: 21q22.3.
Variant type: single nucleotide variant.
Coding change: c.8911C>T on transcript NM_006031.6 (MANE Select); coding-DNA position 8911, C replaced by T.
Protein change: p.Gln2971Ter; replaces glutamine 2971 with a stop codon.
Molecular consequence: nonsense.
Genome position (GRCh38, 1-based): chr21:46,436,063, C>T. VCF-style: chr21-46436063-C-T. GRCh37 (hg19) VCF-style: chr21-47855976-C-T.
Other names: c.8320C>T, p.Gln2774Ter (NM_001315529.2); short protein forms Q2774*, Q2971*.
Identifiers: ClinVar variation 2783061 (VCV002783061.3), dbSNP rs760410794, ClinGen allele CA410575135.
Genomic context (GRCh38, chr21:46,436,063, plus strand): 5'-CGCCTCCACCTAGGTTCTGCCCGCAGGGCTGCCGGCTCGGATGCGGACCACCTCCGGGAA[C>T]AGCAGCGAGAGCTGGAGGCGATGAGGCAGCGGCTGCTCTCTGCCGCCCGGCTTCTCACCA-3'